The following is an entry in ClinVar:

NM_138713.4(NFAT5):c.1969T>G (p.Ser657Ala)

Gene: NFAT5 (nuclear factor of activated T cells 5; plus strand). Cytogenetic location: 16q22.1.
Variant type: single nucleotide variant.
Coding change: c.1969T>G on transcript NM_138713.4 (MANE Select); coding-DNA position 1969, T replaced by G.
Protein change: p.Ser657Ala; replaces serine 657 with alanine.
Molecular consequence: missense variant.
Genome position (GRCh38, 1-based): chr16:69,691,794, T>G. VCF-style: chr16-69691794-T-G. GRCh37 (hg19) VCF-style: chr16-69725697-T-G.
Other names: c.1969T>G, p.Ser657Ala (LRG_1332t1); c.1687T>G, p.Ser563Ala (NM_138714.4, NM_173214.3, NM_173215.3); c.1966T>G, p.Ser656Ala (NM_001113178.3); c.1294T>G, p.Ser432Ala (NM_001367709.1); c.1915T>G, p.Ser639Ala (NM_006599.4); c.1969T>G (NM_138713.3); short protein forms S563A, S657A, S656A, S432A, S639A.
Identifiers: ClinVar variation 526786 (VCV000526786.17), dbSNP rs56368098, ClinGen allele CA8135698.

ClinVar aggregate classification (germline): Conflicting classifications of pathogenicity. Review status: criteria provided, conflicting classifications (1 of 4 stars). 6 submissions from 6 submitters: Uncertain significance (1); Benign (2); Likely benign (2). 1 of the submissions does not count toward it. Last evaluated 2026-01-28.

Conditions:
Immunodeficiency. Identifiers: MedGen C0021051, MONDO:0021094, HP:0002721.
NFAT5-related disorder. Also called: NFAT5-related condition.

Allele frequency attached by ClinVar (database versions not stated): 1000 Genomes Project 0.00120; gnomAD 0.00157 and 0.00159; ESP Exome Variant Server 0.00169; 1000 Genomes Project 30x 0.00187; TOPMed 0.00192; ExAC 0.00226; gnomAD exomes 0.00228 and 0.00236.
gnomAD v4.1: 3,729 of 1,614,096 alleles (0.23%); highest among the groups gnomAD compares: Middle Eastern, 0.66%; 12 homozygotes.

Submissions (6):

Labcorp Genetics (formerly Invitae), Labcorp
Classification: Benign for Immunodeficiency. Last evaluated: 2026-01-28. Review status: criteria provided, single submitter. Criteria: Invitae Variant Classification Sherloc (09022015). Collection method: clinical testing. Allele origin: germline.

Genomic Medicine Center of Excellence, King Faisal Specialist Hospital and Research Centre
Classification: Likely benign. Last evaluated: 2025-08-18. Review status: criteria provided, single submitter. Criteria: ACMG Guidelines, 2015. Collection method: clinical testing. Allele origin: germline.

Ambry Genetics
Classification: Uncertain significance. Last evaluated: 2025-08-02. Review status: criteria provided, single submitter. Criteria: Ambry Variant Classification Scheme 2023. Collection method: clinical testing. Allele origin: germline.

Blueprint Genetics
Classification: Likely benign. Last evaluated: 2024-11-21. Review status: criteria provided, single submitter. Criteria: ACMG Guidelines, 2015. Collection method: clinical testing. Allele origin: germline.

Breakthrough Genomics
Classification: Benign. Review status: criteria provided, single submitter. Criteria: ACMG Guidelines, 2015. Collection method: not provided. Allele origin: germline. Inheritance: Unknown mechanism. Affected: yes.

PreventionGenetics, part of Exact Sciences
Classification: Benign for NFAT5-related condition. Last evaluated: 2019-09-26. Review status: no assertion criteria provided. Collection method: clinical testing. Allele origin: germline. Not counted in ClinVar's aggregate classification.
Comment: This variant is classified as benign based on ACMG/AMP sequence variant interpretation guidelines (Richards et al. 2015 PMID: 25741868, with internal and published modifications).